The following is an entry in ClinVar:

NM_032120.4(RBM48):c.850C>T (p.Arg284Cys)

Gene: RBM48 (RNA binding motif protein 48; plus strand). Cytogenetic location: 7q21.2.
Variant type: single nucleotide variant.
Coding change: c.850C>T on transcript NM_032120.4 (MANE Select); coding-DNA position 850, C replaced by T.
Protein change: p.Arg284Cys; replaces arginine 284 with cysteine.
Molecular consequence: missense variant.
Genome position (GRCh38, 1-based): chr7:92,534,803, C>T. VCF-style: chr7-92534803-C-T. GRCh37 (hg19) VCF-style: chr7-92164117-C-T.
Other names: c.850C>T, p.Arg284Cys (NM_001363366.1); c.325C>T, p.Arg109Cys (NM_001363367.1); c.850C>T (NM_032120.2); short protein forms R109C, R284C.
Identifiers: ClinVar variation 2979884 (VCV002979884.4), dbSNP rs564761372, ClinGen allele CA161987182.

ClinVar aggregate classification (germline): Uncertain significance. Review status: criteria provided, multiple submitters, no conflicts (2 of 4 stars). 2 submissions from 2 submitters: Uncertain significance (2). Last evaluated 2025-01-20.

Allele frequency attached by ClinVar (database versions not stated): gnomAD 0.00001; TOPMed 0.00003; gnomAD exomes below 0.00001.
gnomAD v4.1: 6 of 1,613,922 alleles (0.00037%); highest among the groups gnomAD compares: East Asian, 0.0045%; no homozygotes.

Submissions (2):

Ambry Genetics
Classification: Uncertain significance. Last evaluated: 2025-01-20. Review status: criteria provided, single submitter. Criteria: Ambry Variant Classification Scheme 2023. Collection method: clinical testing. Allele origin: germline.

Labcorp Genetics (formerly Invitae), Labcorp
Classification: Uncertain significance. Last evaluated: 2023-11-28. Review status: criteria provided, single submitter. Criteria: Invitae Variant Classification Sherloc (09022015). Collection method: clinical testing. Allele origin: germline.
Comment: This sequence change replaces arginine, which is basic and polar, with cysteine, which is neutral and slightly polar, at codon 284 of the RBM48 protein (p.Arg284Cys). This variant is present in population databases (rs564761372, gnomAD 0.006%). This variant has not been reported in the literature in individuals affected with RBM48-related conditions. Advanced modeling of protein sequence and biophysical properties (such as structural, functional, and spatial information, amino acid conservation, physicochemical variation, residue mobility, and thermodynamic stability) performed at Invitae indicates that this missense variant is expected to disrupt RBM48 protein function with a positive predictive value of 80%. In summary, the available evidence is currently insufficient to determine the role of this variant in disease. Therefore, it has been classified as a Variant of Uncertain Significance.